The following is an entry in ClinVar:

NM_003060.4(SLC22A5):c.1238T>G (p.Val413Gly)

Gene: SLC22A5 (solute carrier family 22 member 5; plus strand). Cytogenetic location: 5q31.1.
Variant type: single nucleotide variant.
Coding change: c.1238T>G on transcript NM_003060.4 (MANE Select); coding-DNA position 1238, T replaced by G.
Protein change: p.Val413Gly; replaces valine 413 with glycine.
Molecular consequence: missense variant.
Genome position (GRCh38, 1-based): chr5:132,390,875, T>G. VCF-style: chr5-132390875-T-G. GRCh37 (hg19) VCF-style: chr5-131726567-T-G.
Other names: p.Val413Gly; c.1310T>G, p.Val437Gly (NM_001308122.2); short protein forms V413G, V437G.
Identifiers: ClinVar variation 460394 (VCV000460394.11), dbSNP rs1224278173, ClinGen allele CA360807808.

ClinVar aggregate classification (germline): Uncertain significance. Review status: criteria provided, multiple submitters, no conflicts (2 of 4 stars). 4 submissions from 4 submitters: Uncertain significance (3). 1 of the submissions does not count toward it. Last evaluated 2022-10-03.

Conditions:
Decreased circulating carnitine concentration. Also called: Decreased plasma carnitine. Identifiers: MedGen C5848230, HP:0003234.
Renal carnitine transport defect (CDSP). Also called: CARNITINE DEFICIENCY, SYSTEMIC, DUE TO DEFECT IN RENAL REABSORPTION OF CARNITINE; CARNITINE TRANSPORTER, PLASMA-MEMBRANE, DEFICIENCY OF; CARNITINE UPTAKE DEFECT; Systemic primary carnitine deficiency; Primary carnitine deficiency; Carnitine transporter deficiency. Identifiers: Orphanet 158, MedGen C0342788, MONDO:0008919, OMIM 212140.

Allele frequency attached by ClinVar (database versions not stated): gnomAD 0.00001; gnomAD exomes 0.00001 and 0.00002; TOPMed 0.00002.
gnomAD v4.1: 5 of 1,614,072 alleles (0.00031%); highest among the groups gnomAD compares: Admixed American, 0.0083%; no homozygotes.

Submissions (4):

Giacomini Lab, University of California, San Francisco
Classification: Uncertain significance for Renal carnitine transport defect. Last evaluated: 2022-10-03. Review status: criteria provided, single submitter. Criteria: ACMG Guidelines, 2015. Collection method: research, in vitro. Allele origin: germline, not applicable.

Labcorp Genetics (formerly Invitae), Labcorp
Classification: Uncertain significance for Renal carnitine transport defect. Last evaluated: 2022-09-27. Review status: criteria provided, single submitter. Criteria: Invitae Variant Classification Sherloc (09022015). Collection method: clinical testing. Allele origin: germline.
Comment: This sequence change replaces valine, which is neutral and non-polar, with glycine, which is neutral and non-polar, at codon 413 of the SLC22A5 protein (p.Val413Gly). This variant is present in population databases (no rsID available, gnomAD 0.01%). This variant has not been reported in the literature in individuals affected with SLC22A5-related conditions. ClinVar contains an entry for this variant (Variation ID: 460394). Advanced modeling of protein sequence and biophysical properties (such as structural, functional, and spatial information, amino acid conservation, physicochemical variation, residue mobility, and thermodynamic stability) performed at Invitae indicates that this missense variant is expected to disrupt SLC22A5 protein function. In summary, the available evidence is currently insufficient to determine the role of this variant in disease. Therefore, it has been classified as a Variant of Uncertain Significance.

Revvity Omics, Revvity
Classification: Uncertain significance for Renal carnitine transport defect. Last evaluated: 2022-06-08. Review status: criteria provided, single submitter. Criteria: ACMG Guidelines, 2015. Collection method: clinical testing. Allele origin: germline.

Natera, Inc.
Classification: Uncertain significance for Carnitine deficiency. Last evaluated: 2020-09-28. Review status: no assertion criteria provided. Collection method: clinical testing. Allele origin: germline. Not counted in ClinVar's aggregate classification.